The following is an entry in ClinVar:

NM_001242882.2(NAXD):c.939C>T (p.Ser313=)

Gene: NAXD (NAD(P)HX dehydratase; plus strand). Cytogenetic location: 13q34.
Variant type: single nucleotide variant.
Coding change: c.939C>T on transcript NM_001242882.2 (MANE Select); coding-DNA position 939, C replaced by T.
Protein change: p.Ser313=; no amino-acid change (serine 313 retained).
Molecular consequence: synonymous variant. On other transcripts: nonsense (1), non-coding transcript variant (2).
Genome position (GRCh38, 1-based): chr13:110,638,477, C>T. VCF-style: chr13-110638477-C-T. GRCh37 (hg19) VCF-style: chr13-111290824-C-T.
Other names: c.1129C>T (NM_018210.3); c.993C>T, p.Ser331= (NM_001242881.2); c.663C>T, p.Ser221= (NM_001242883.2); c.1129C>T, p.Arg377Ter (NM_018210.4); short protein forms R377*.
Identifiers: ClinVar variation 1587644 (VCV001587644.10), dbSNP rs114275451, ClinGen allele CA7051459.

ClinVar aggregate classification (germline): Benign. Review status: criteria provided, single submitter (1 of 4 stars). 2 submissions from 2 submitters: Benign (1). 1 of the submissions does not count toward it. Last evaluated 2026-01-27.

Conditions:
NAXD-related disorder. Also called: NAXD-related condition.

Allele frequency attached by ClinVar (database versions not stated): gnomAD exomes 0.00059 and 0.00137; ExAC 0.00188; 1000 Genomes Project 0.00459; ESP Exome Variant Server 0.00508; gnomAD 0.00524 and 0.00566; 1000 Genomes Project 30x 0.00547; TOPMed 0.00578.
gnomAD v4.1: 1,700 of 1,613,212 alleles (0.11%); highest among the groups gnomAD compares: African/African-American, 1.8%; 17 homozygotes.

Submissions (2):

Labcorp Genetics (formerly Invitae), Labcorp
Classification: Benign. Last evaluated: 2026-01-27. Review status: criteria provided, single submitter. Criteria: Invitae Variant Classification Sherloc (09022015). Collection method: clinical testing. Allele origin: germline.

PreventionGenetics, part of Exact Sciences
Classification: Benign for NAXD-related condition. Last evaluated: 2019-08-12. Review status: no assertion criteria provided. Collection method: clinical testing. Allele origin: germline. Not counted in ClinVar's aggregate classification.
Comment: This variant is classified as benign based on ACMG/AMP sequence variant interpretation guidelines (Richards et al. 2015 PMID: 25741868, with internal and published modifications).